The following is an entry in ClinVar:

ClinVar aggregate classification (germline): Pathogenic. Review status: criteria provided, single submitter (1 of 4 stars). 2 submissions from 1 submitter: Pathogenic (2). Last evaluated 2022-04-28.

Conditions:
AFF3-related neurodevelopmental disorders.
KINSSHIP syndrome. Also called: MESOMELIC DYSPLASIA, STEICHEN-GERSDORF TYPE; MESOMELIC DYSPLASIA, AFF3-RELATED. Identifiers: MedGen C5543317, MONDO:0851095, OMIM 619297.

Submissions (2):

Laboratory of Medical Genetics, National & Kapodistrian University of Athens
Classification: Pathogenic for KINSSHIP syndrome. Last evaluated: 2022-04-28. Review status: criteria provided, single submitter. Criteria: ACMG Guidelines, 2015. Collection method: clinical testing. Allele origin: de novo. Affected: yes.
Comment: PS2, PM1, PM2, PM5, PP3

Laboratory of Medical Genetics, National & Kapodistrian University of Athens
Classification: Pathogenic for AFF3-related neurodevelopmental disorders. Last evaluated: 2022-01-30. Review status: criteria provided, single submitter. Criteria: ACMG Guidelines, 2015. Collection method: clinical testing. Allele origin: de novo. Inheritance: Autosomal dominant inheritance. Affected: yes. Observed: 1 heterozygote.

Literature cited by the submitters: PubMed 33961779.

NM_001386135.1(AFF3):c.692_693delinsGA (p.Pro231Arg)

Gene: AFF3 (ALF transcription elongation factor 3; minus strand). Cytogenetic location: 2q11.2.
Variant type: Indel.
Coding change: c.692_693delinsGA on transcript NM_001386135.1 (MANE Select); coding-DNA positions 692 to 693, CG replaced by GA.
Protein change: p.Pro231Arg; replaces proline 231 with arginine.
Molecular consequence: missense variant.
Genome position (GRCh38, 1-based): chr2:100,006,812-100,006,813, CG replaced by TC on the plus strand (CG replaced by GA on the coding strand, the reverse complement: AFF3 is on the minus strand). VCF-style: chr2-100006812-CG-TC. GRCh37 (hg19) VCF-style: chr2-100623274-CG-TC.
Other names: c.767_768delCGinsGA (NM_001025108.2); c.767_768delinsGA, p.Pro256Arg (NM_001025108.2); c.692_693delinsGA, p.Pro231Arg (NM_002285.3); short protein forms P231R, P256R.
Identifiers: ClinVar variation 1338773 (VCV001338773.2), dbSNP rs2104735114, ClinGen allele CA2573051639.